The following is an entry in ClinVar:

NM_021076.4(NEFH):c.1783C>T (p.Pro595Ser)

Gene: NEFH (neurofilament heavy chain; plus strand). Cytogenetic location: 22q12.2.
Variant type: single nucleotide variant.
Coding change: c.1783C>T on transcript NM_021076.4 (MANE Select); coding-DNA position 1783, C replaced by T.
Protein change: p.Pro595Ser; replaces proline 595 with serine.
Molecular consequence: missense variant.
Genome position (GRCh38, 1-based): chr22:29,489,423, C>T. VCF-style: chr22-29489423-C-T. GRCh37 (hg19) VCF-style: chr22-29885412-C-T.
Other names: p.Pro595Ser; short protein forms P595S.
Identifiers: ClinVar variation 775452 (VCV000775452.17), dbSNP rs6006165, ClinGen allele CA10174275.

ClinVar aggregate classification (germline): Benign/Likely benign. Review status: criteria provided, multiple submitters, no conflicts (2 of 4 stars). 5 submissions from 5 submitters: Benign (2); Likely benign (3). Last evaluated 2026-04-01.

Allele frequency attached by ClinVar (database versions not stated): gnomAD exomes 0.00248; ExAC 0.00320; gnomAD 0.00869 and 0.00921; ESP Exome Variant Server 0.00900; 1000 Genomes Project 0.00998; 1000 Genomes Project 30x 0.01077.

Submissions (5):

CeGaT Center for Human Genetics Tuebingen
Classification: Likely benign. Last evaluated: 2026-04-01. Review status: criteria provided, single submitter. Criteria: CeGaT Center For Human Genetics Tuebingen Variant Classification Criteria Version 2. Collection method: clinical testing. Allele origin: germline. Affected: yes. Observed: 3 variant alleles.
Comment: NEFH: BS1

Labcorp Genetics (formerly Invitae), Labcorp
Classification: Benign. Last evaluated: 2026-02-01. Review status: criteria provided, single submitter. Criteria: Invitae Variant Classification Sherloc (09022015). Collection method: clinical testing. Allele origin: germline.

Mayo Clinic Laboratories, Mayo Clinic
Classification: Benign. Last evaluated: 2023-04-04. Review status: criteria provided, single submitter. Criteria: ACMG Guidelines, 2015. Collection method: clinical testing. Allele origin: germline. Observed: 5 variant alleles.
Comment: BS1, BS2

GeneDx
Classification: Likely benign. Last evaluated: 2021-09-07. Review status: criteria provided, single submitter. Criteria: GeneDx Variant Classification Process June 2021. Collection method: clinical testing. Allele origin: germline. Affected: yes.

Breakthrough Genomics
Classification: Likely benign. Review status: criteria provided, single submitter. Criteria: ACMG Guidelines, 2015. Collection method: not provided. Allele origin: germline. Inheritance: Autosomal recessive inheritance. Affected: yes.